The following is an entry in ClinVar:

ClinVar aggregate classification (germline): Uncertain significance (1 of 4 stars; one submission).

Conditions:
Pierpont syndrome (PRPTS). Identifiers: Orphanet 487825, MedGen C1865644, MONDO:0011213, OMIM 602342.

Allele frequency attached by ClinVar (database versions not stated): gnomAD exomes below 0.00001; gnomAD 0.00001.
gnomAD v4.1: 4 of 1,571,894 alleles (0.00025%); highest among the groups gnomAD compares: Non-Finnish European, 0.00017%; no homozygotes.

Submission:

Labcorp Genetics (formerly Invitae), Labcorp
Classification: Uncertain significance for Pierpont syndrome. Last evaluated: 2022-12-10. Review status: criteria provided, single submitter. Criteria: Invitae Variant Classification Sherloc (09022015). Collection method: clinical testing. Allele origin: germline.
Comment: This variant has not been reported in the literature in individuals affected with TBL1XR1-related conditions. In summary, the available evidence is currently insufficient to determine the role of this variant in disease. Therefore, it has been classified as a Variant of Uncertain Significance. Advanced modeling of protein sequence and biophysical properties (such as structural, functional, and spatial information, amino acid conservation, physicochemical variation, residue mobility, and thermodynamic stability) performed at Invitae indicates that this missense variant is not expected to disrupt TBL1XR1 protein function. This variant is present in population databases (rs374745294, gnomAD 0.001%). This sequence change replaces asparagine, which is neutral and polar, with threonine, which is neutral and polar, at codon 320 of the TBL1XR1 protein (p.Asn320Thr).

NM_024665.7(TBL1XR1):c.959A>C (p.Asn320Thr)

Genes: TBL1XR1 (TBL1X/Y related 1; minus strand), TBL1XR1-AS1 (TBL1XR1 antisense RNA 1; plus strand), LOC126806878 (CDK7 strongly-dependent group 2 enhancer GRCh37_chr3:176755168-176756367; plus strand). Cytogenetic location: 3q26.32.
Variant type: single nucleotide variant.
Coding change: c.959A>C on transcript NM_024665.7 (MANE Select); coding-DNA position 959, A replaced by C.
Protein change: p.Asn320Thr; replaces asparagine 320 with threonine.
Molecular consequence: missense variant. On other transcripts: non-coding transcript variant (1).
Genome position (GRCh38, 1-based): chr3:177,038,401, T>G on the plus strand (A>C on the coding strand, the complement: TBL1XR1 is on the minus strand). VCF-style: chr3-177038401-T-G. GRCh37 (hg19) VCF-style: chr3-176756189-T-G.
Other names: c.959A>C, p.Asn320Thr (NM_001321193.3, NM_001321194.3, NM_001374327.1 and 2 more transcripts); c.698A>C, p.Asn233Thr (NM_001321195.3, NM_001374330.1); short protein forms N233T, N320T.
Identifiers: ClinVar variation 2820009 (VCV002820009.3), dbSNP rs374745294, ClinGen allele CA89087862.